The following is an entry in ClinVar:

NM_001942.4(DSG1):c.3134T>C (p.Val1045Ala)

Genes: DSG1 (desmoglein 1; plus strand), DSG1-AS1 (DSG1 antisense RNA 1; minus strand). Cytogenetic location: 18q12.1.
Variant type: single nucleotide variant.
Coding change: c.3134T>C on transcript NM_001942.4 (MANE Select); coding-DNA position 3134, T replaced by C.
Protein change: p.Val1045Ala; replaces valine 1045 with alanine.
Molecular consequence: missense variant.
Genome position (GRCh38, 1-based): chr18:31,355,330, T>C. VCF-style: chr18-31355330-T-C. GRCh37 (hg19) VCF-style: chr18-28935293-T-C.
Other names: short protein forms V1045A.
Identifiers: ClinVar variation 2620067 (VCV002620067.5), dbSNP rs747806242, ClinGen allele CA8926529.

ClinVar aggregate classification (germline): Uncertain significance. Review status: criteria provided, multiple submitters, no conflicts (2 of 4 stars). 2 submissions from 2 submitters: Uncertain significance (2). Last evaluated 2024-01-29.

Conditions:
Inborn genetic diseases. Identifiers: MedGen C0950123, MeSH D030342.

Allele frequency attached by ClinVar (database versions not stated): gnomAD exomes 0.00002; TOPMed 0.00002; ExAC 0.00003.
gnomAD v4.1: 27 of 1,614,114 alleles (0.0017%); highest among the groups gnomAD compares: South Asian, 0.0055%; no homozygotes.

Submissions (2):

Labcorp Genetics (formerly Invitae), Labcorp
Classification: Uncertain significance. Last evaluated: 2024-01-29. Review status: criteria provided, single submitter. Criteria: Invitae Variant Classification Sherloc (09022015). Collection method: clinical testing. Allele origin: germline.
Comment: This sequence change replaces valine, which is neutral and non-polar, with alanine, which is neutral and non-polar, at codon 1045 of the DSG1 protein (p.Val1045Ala). This variant is present in population databases (rs747806242, gnomAD 0.006%). This variant has not been reported in the literature in individuals affected with DSG1-related conditions. ClinVar contains an entry for this variant (Variation ID: 2620067). An algorithm developed to predict the effect of missense changes on protein structure and function (PolyPhen-2) suggests that this variant is likely to be tolerated. In summary, the available evidence is currently insufficient to determine the role of this variant in disease. Therefore, it has been classified as a Variant of Uncertain Significance.

Ambry Genetics
Classification: Uncertain significance for Inborn genetic diseases. Last evaluated: 2023-08-21. Review status: criteria provided, single submitter. Criteria: Ambry Variant Classification Scheme 2023. Collection method: clinical testing. Allele origin: germline.